The following is an entry in ClinVar:

NM_016148.5(SHANK1):c.6089C>T (p.Pro2030Leu)

Gene: SHANK1 (SH3 and multiple ankyrin repeat domains 1; minus strand). Cytogenetic location: 19q13.33.
Variant type: single nucleotide variant.
Coding change: c.6089C>T on transcript NM_016148.5 (MANE Select); coding-DNA position 6089, C replaced by T.
Protein change: p.Pro2030Leu; replaces proline 2030 with leucine.
Molecular consequence: missense variant.
Genome position (GRCh38, 1-based): chr19:50,662,362, G>A on the plus strand (C>T on the coding strand, the complement: SHANK1 is on the minus strand). VCF-style: chr19-50662362-G-A. GRCh37 (hg19) VCF-style: chr19-51165619-G-A.
Other names: short protein forms P2030L.
Identifiers: ClinVar variation 3390082 (VCV003390082.14).

ClinVar aggregate classification (germline): Uncertain significance (1 of 4 stars; one submission).

Submission:

CeGaT Center for Human Genetics Tuebingen
Classification: Uncertain significance. Last evaluated: 2024-11-01. Review status: criteria provided, single submitter. Criteria: CeGaT Center For Human Genetics Tuebingen Variant Classification Criteria Version 2. Collection method: clinical testing. Allele origin: germline. Affected: yes. Observed: 1 variant allele.
Comment: SHANK1: PM2